The following is an entry in ClinVar:

NM_025136.4(OPA3):c.52C>T (p.Gln18Ter)

Genes: OPA3 (outer mitochondrial membrane lipid metabolism regulator OPA3; minus strand), OPA3-RTN2 (OPA3-RTN2 readthrough; minus strand), LOC130064709 (ATAC-STARR-seq lymphoblastoid active region 14802; plus strand). Cytogenetic location: 19q13.32.
Variant type: single nucleotide variant.
Coding change: c.52C>T on transcript NM_025136.4 (MANE Select); coding-DNA position 52, C replaced by T.
Protein change: p.Gln18Ter; replaces glutamine 18 with a stop codon.
Molecular consequence: nonsense.
Genome position (GRCh38, 1-based): chr19:45,584,713, G>A on the plus strand (C>T on the coding strand, the complement: OPA3 is on the minus strand). VCF-style: chr19-45584713-G-A. GRCh37 (hg19) VCF-style: chr19-46087971-G-A.
Other names: c.52C>T, p.Gln18Ter (NM_001017989.3); short protein forms Q18*.
Identifiers: ClinVar variation 620409 (VCV000620409.14), dbSNP rs1568413644, ClinGen allele CA406378743.

ClinVar aggregate classification (germline): Pathogenic/Likely pathogenic. Review status: criteria provided, multiple submitters, no conflicts (2 of 4 stars). 6 submissions from 6 submitters: Pathogenic (2); Likely pathogenic (4). Last evaluated 2026-09-23.

Conditions:
OPA3-related disorder. Also called: OPA3-related condition.
3-Methylglutaconic aciduria type 3 (MGCA3). Also called: Costeff Syndrome; OPA3, AUTOSOMAL RECESSIVE; OPTIC ATROPHY 3, AUTOSOMAL RECESSIVE; OPA3-Related 3-Methylglutaconic Aciduria. Identifiers: Orphanet 67047, MedGen C0574084, MONDO:0009787, OMIM 258501.
Optic atrophy 3 (OPA3). Also called: Optic atrophy, cataract, and neurologic disorder; OPTIC ATROPHY 3, AUTOSOMAL DOMINANT; Optic atrophy 3 with cataract. Identifiers: Orphanet 67036, MedGen C1833809, MONDO:0008133, OMIM 165300.

Allele frequency attached by ClinVar (database versions not stated): gnomAD 0.00001; TOPMed 0.00002.
gnomAD v4.1: 3 of 1,614,060 alleles (0.00019%); no homozygotes.

Submissions (6):

GeneDx
Classification: Pathogenic. Last evaluated: 2026-09-23. Review status: criteria provided, single submitter. Criteria: GeneDx Variant Classification Process June 2021. Collection method: clinical testing. Allele origin: germline.
Comment: Nonsense variant predicted to result in protein truncation or nonsense mediated decay in a gene for which loss of function is a known mechanism of disease; Not observed at significant frequency in large population cohorts (gnomAD); Has not been previously published as pathogenic or benign to our knowledge; This variant is associated with the following publications: (PMID: 31589614)

Labcorp Genetics (formerly Invitae), Labcorp
Classification: Pathogenic for 3-Methylglutaconic aciduria type 3; Optic atrophy 3. Last evaluated: 2025-02-25. Review status: criteria provided, single submitter. Criteria: Invitae Variant Classification Sherloc (09022015). Collection method: clinical testing. Allele origin: germline.
Comment: This sequence change creates a premature translational stop signal (p.Gln18*) in the OPA3 gene. It is expected to result in an absent or disrupted protein product. Loss-of-function variants in OPA3 are known to be pathogenic (PMID: 11668429, 25201222). This variant is not present in population databases (gnomAD no frequency). This variant has not been reported in the literature in individuals affected with OPA3-related conditions. ClinVar contains an entry for this variant (Variation ID: 620409). For these reasons, this variant has been classified as Pathogenic.

Natera, Inc.
Classification: Likely pathogenic for 3-methylglutaconic aciduria type 3. Last evaluated: 2025-01-21. Review status: criteria provided, single submitter. Criteria: Natera Variant Classification Schema (03/2026). Collection method: clinical testing. Allele origin: germline.
Comment: The c.52C>T variant in OPA3 is a nonsense variant predicted to introduce a stop codon at amino acid 18. This variant is expected to result in nonsense mediated decay, truncation, or a dysfunctional protein product. This variant is rare in the general population with a frequency below the threshold expected for the associated phenotype(s). Given the available evidence, this variant is classified as Likely Pathogenic.

Fulgent Genetics
Classification: Likely pathogenic for Optic atrophy 3; 3-Methylglutaconic aciduria type 3. Last evaluated: 2024-05-20. Review status: criteria provided, single submitter. Criteria: ACMG Guidelines, 2015. Collection method: clinical testing. Allele origin: germline.

Baylor Genetics
Classification: Likely pathogenic for 3-Methylglutaconic aciduria type 3. Last evaluated: 2024-03-21. Review status: criteria provided, single submitter. Criteria: ACMG Guidelines, 2015. Collection method: clinical testing. Allele origin: unknown.

Blueprint Genetics
Classification: Likely pathogenic for OPA3-related disorders. Last evaluated: 2022-03-01. Review status: criteria provided, single submitter. Criteria: ACMG Guidelines, 2015. Collection method: clinical testing. Allele origin: germline. Affected: yes. Observed: 2 variant alleles.

Literature cited by the submitters: PubMed 11668429 (cited by Labcorp Genetics (formerly Invitae), Labcorp); PubMed 25201222 (cited by Labcorp Genetics (formerly Invitae), Labcorp).